The following is an entry in ClinVar:

ClinVar aggregate classification (germline): Uncertain significance (1 of 4 stars; one submission).

Conditions:
Autosomal dominant limb-girdle muscular dystrophy type 1D (DNAJB6) (LGMDD1). Also called: MUSCULAR DYSTROPHY, LIMB-GIRDLE, TYPE 1D; MUSCULAR DYSTROPHY, AUTOSOMAL DOMINANT, WITH RIMMED VACUOLES; Autosomal dominant limb-girdle muscular dystrophy type 1D; Muscular dystrophy, limb-girdle, autosomal dominant 1. Identifiers: Orphanet 34516, MedGen C4721885, MONDO:0021018, OMIM 603511.

Submission:

Labcorp Genetics (formerly Invitae), Labcorp
Classification: Uncertain significance for Autosomal dominant limb-girdle muscular dystrophy type 1D (DNAJB6). Last evaluated: 2025-08-08. Review status: criteria provided, single submitter. Criteria: Invitae Variant Classification Sherloc (09022015). Collection method: clinical testing. Allele origin: germline.
Comment: This sequence change replaces aspartic acid, which is acidic and polar, with glutamic acid, which is acidic and polar, at codon 113 of the DNAJB6 protein (p.Asp113Glu). This variant is not present in population databases (gnomAD no frequency). This variant has not been reported in the literature in individuals affected with DNAJB6-related conditions. Invitae Evidence Modeling of protein sequence and biophysical properties (such as structural, functional, and spatial information, amino acid conservation, physicochemical variation, residue mobility, and thermodynamic stability) indicates that this missense variant is not expected to disrupt DNAJB6 protein function with a negative predictive value of 80%. In summary, the available evidence is currently insufficient to determine the role of this variant in disease. Therefore, it has been classified as a Variant of Uncertain Significance.

NM_058246.4(DNAJB6):c.339C>G (p.Asp113Glu)

Gene: DNAJB6 (DnaJ heat shock protein family (Hsp40) member B6; plus strand). Cytogenetic location: 7q36.3.
Variant type: single nucleotide variant.
Coding change: c.339C>G on transcript NM_058246.4 (MANE Select); coding-DNA position 339, C replaced by G.
Protein change: p.Asp113Glu; replaces aspartic acid 113 with glutamic acid.
Molecular consequence: missense variant.
Genome position (GRCh38, 1-based): chr7:157,367,476, C>G. VCF-style: chr7-157367476-C-G. GRCh37 (hg19) VCF-style: chr7-157160170-C-G.
Other names: c.339C>G, p.Asp113Glu (NM_001363676.1, NM_005494.3); short protein forms D113E.
Identifiers: ClinVar variation 4744406 (VCV004744406.1).